The following is an entry in ClinVar:

ClinVar aggregate classification (germline): Uncertain significance (1 of 4 stars; one submission).

Submission:

Labcorp Genetics (formerly Invitae), Labcorp
Classification: Uncertain significance. Last evaluated: 2022-06-22. Review status: criteria provided, single submitter. Criteria: Invitae Variant Classification Sherloc (09022015). Collection method: clinical testing. Allele origin: germline.
Comment: This sequence change replaces glycine, which is neutral and non-polar, with arginine, which is basic and polar, at codon 4679 of the FAT4 protein (p.Gly4679Arg). This variant is not present in population databases (gnomAD no frequency). This variant has not been reported in the literature in individuals affected with FAT4-related conditions. Advanced modeling of protein sequence and biophysical properties (such as structural, functional, and spatial information, amino acid conservation, physicochemical variation, residue mobility, and thermodynamic stability) performed at Invitae indicates that this missense variant is not expected to disrupt FAT4 protein function. In summary, the available evidence is currently insufficient to determine the role of this variant in disease. Therefore, it has been classified as a Variant of Uncertain Significance.

NM_001291303.3(FAT4):c.14041G>C (p.Gly4681Arg)

Gene: FAT4 (FAT atypical cadherin 4; plus strand). Cytogenetic location: 4q28.1.
Variant type: single nucleotide variant.
Coding change: c.14041G>C on transcript NM_001291303.3 (MANE Select); coding-DNA position 14041, G replaced by C.
Protein change: p.Gly4681Arg; replaces glycine 4681 with arginine.
Molecular consequence: missense variant.
Genome position (GRCh38, 1-based): chr4:125,490,857, G>C. VCF-style: chr4-125490857-G-C. GRCh37 (hg19) VCF-style: chr4-126412012-G-C.
Other names: c.14038G>C, p.Gly4680Arg (NM_001291285.3); c.14035G>C, p.Gly4679Arg (NM_024582.6); short protein forms G4679R, G4680R, G4681R.
Identifiers: ClinVar variation 2009468 (VCV002009468.1), dbSNP rs759429469, ClinGen allele CA104876521.